The following is an entry in ClinVar:

ClinVar aggregate classification (germline): Uncertain significance. Review status: criteria provided, multiple submitters, no conflicts (2 of 4 stars). 2 submissions from 2 submitters: Uncertain significance (2). Last evaluated 2024-10-09.

Conditions:
Bardet-Biedl syndrome (BBS). Identifiers: Orphanet 110, MedGen C0752166, MONDO:0015229.
BBS5-related disorder. Also called: BBS5-related condition.

Allele frequency attached by ClinVar (database versions not stated): gnomAD 0.00003.
gnomAD v4.1: 9 of 1,597,048 alleles (0.00056%); highest among the groups gnomAD compares: African/African-American, 0.012%; no homozygotes.

Submissions (2):

PreventionGenetics, part of Exact Sciences
Classification: Uncertain significance for BBS5-related condition. Last evaluated: 2024-10-09. Review status: criteria provided, single submitter. Criteria: ACMG Guidelines, 2015. Collection method: clinical testing. Allele origin: germline.
Comment: The BBS5 c.603A>G variant is predicted to result in the amino acid substitution p.Ile201Met. To our knowledge, this variant has not been reported in the literature. This variant has not been reported in gnomAD indicating it is rare. At this time, the clinical significance of this variant is uncertain due to the absence of conclusive functional and genetic evidence.

Labcorp Genetics (formerly Invitae), Labcorp
Classification: Uncertain significance for Bardet-Biedl syndrome. Last evaluated: 2022-08-07. Review status: criteria provided, single submitter. Criteria: Invitae Variant Classification Sherloc (09022015). Collection method: clinical testing. Allele origin: germline.
Comment: In summary, the available evidence is currently insufficient to determine the role of this variant in disease. Therefore, it has been classified as a Variant of Uncertain Significance. Algorithms developed to predict the effect of missense changes on protein structure and function are either unavailable or do not agree on the potential impact of this missense change (SIFT: "Deleterious"; PolyPhen-2: "Probably Damaging"; Align-GVGD: "Class C0"). This variant has not been reported in the literature in individuals affected with BBS5-related conditions. This variant is not present in population databases (gnomAD no frequency). This sequence change replaces isoleucine, which is neutral and non-polar, with methionine, which is neutral and non-polar, at codon 201 of the BBS5 protein (p.Ile201Met). In summary, the available evidence is currently insufficient to determine the role of this variant in disease. Therefore, it has been classified as a Variant of Uncertain Significance. Algorithms developed to predict the effect of missense changes on protein structure and function are either unavailable or do not agree on the potential impact of this missense change (SIFT: "Deleterious"; PolyPhen-2: "Probably Damaging"; Align-GVGD: "Class C0"). This variant has not been reported in the literature in individuals affected with BBS5-related conditions. This variant is not present in population databases (gnomAD no frequency). This sequence change replaces isoleucine, which is neutral and non-polar, with methionine, which is neutral and non-polar, at codon 201 of the BBS5 protein (p.Ile201Met).

NM_152384.3(BBS5):c.603A>G (p.Ile201Met)

Gene: BBS5 (Bardet-Biedl syndrome 5; plus strand). Cytogenetic location: 2q31.1.
Variant type: single nucleotide variant.
Coding change: c.603A>G on transcript NM_152384.3 (MANE Select); coding-DNA position 603, A replaced by G.
Protein change: p.Ile201Met; replaces isoleucine 201 with methionine.
Molecular consequence: missense variant.
Genome position (GRCh38, 1-based): chr2:169,493,821, A>G. VCF-style: chr2-169493821-A-G. GRCh37 (hg19) VCF-style: chr2-170350331-A-G.
Other names: c.603A>G (NM_152384.2); short protein forms I201M.
Identifiers: ClinVar variation 2188441 (VCV002188441.5), dbSNP rs748963554, ClinGen allele CA349165191.